The following is an entry in ClinVar:

ClinVar aggregate classification (germline): Uncertain significance (1 of 4 stars; one submission).

Submission:

Clinical Genomics Laboratory, Laboratory for Precision Diagnostics, University of Washington
Classification: Uncertain significance. Last evaluated: 2019-04-12. Review status: criteria provided, single submitter. Criteria: Clinical Cytogenomics Laboratory Policy on CNV Interpretation. Collection method: clinical testing. Allele origin: unknown. Affected: yes. Observed: 1 variant allele.

Literature cited by the submitters: PubMed 21147883; PubMed 26040210; PubMed 26984564; PubMed 1953380; PubMed 27073233; PubMed 20655035.

GRCh37/hg19 Xp22.33(chrX:578382-1021508)x3

Variant type: copy number gain.
Change: copy number 3 of chrX:578,382-1,021,508 (443.1 kb, GRCh37 coordinates, 1-based), cytogenetic band Xp22.33.
Identifiers: ClinVar variation 929320 (VCV000929320.2).